The following is an entry in ClinVar:

NM_004304.5(ALK):c.4048C>G (p.Pro1350Ala)

Gene: ALK (ALK receptor tyrosine kinase; minus strand). Cytogenetic location: 2p23.2.
Variant type: single nucleotide variant.
Coding change: c.4048C>G on transcript NM_004304.5 (MANE Select); coding-DNA position 4048, C replaced by G.
Protein change: p.Pro1350Ala; replaces proline 1350 with alanine.
Molecular consequence: missense variant.
Genome position (GRCh38, 1-based): chr2:29,197,567, G>C on the plus strand (C>G on the coding strand, the complement: ALK is on the minus strand). VCF-style: chr2-29197567-G-C. GRCh37 (hg19) VCF-style: chr2-29420433-G-C.
Other names: c.844C>G, p.Pro282Ala (NM_001353765.2); short protein forms P1350A, P282A.
Identifiers: ClinVar variation 5035554 (VCV005035554.1).

ClinVar aggregate classification (germline): Uncertain significance (1 of 4 stars; one submission).

Conditions:
Hereditary cancer-predisposing syndrome. Also called: Hereditary Cancer Syndrome; Neoplastic Syndromes, Hereditary; Tumor predisposition; Hereditary neoplastic syndrome. Identifiers: Orphanet 140162, MedGen C0027672, MeSH D009386, MONDO:0015356.

Submission:

Ambry Genetics
Classification: Uncertain significance for Hereditary cancer-predisposing syndrome. Last evaluated: 2026-08-15. Review status: criteria provided, single submitter. Criteria: Ambry Variant Classification Scheme 2023. Collection method: clinical testing. Allele origin: germline.
Comment: The p.P1350A variant (also known as c.4048C>G), located in coding exon 27 of the ALK gene, results from a C to G substitution at nucleotide position 4048. The proline at codon 1350 is replaced by alanine, an amino acid with highly similar properties. This amino acid position is conserved. In addition, the in silico prediction for this alteration is inconclusive. Based on the available evidence, the clinical significance of this variant remains unclear.